The following is an entry in ClinVar:

ClinVar aggregate classification (germline): Uncertain significance (1 of 4 stars; one submission).

gnomAD v4.1: 24 of 1,613,918 alleles (0.0015%); highest among the groups gnomAD compares: African/African-American, 0.0027%; no homozygotes.

Submission:

Labcorp Genetics (formerly Invitae), Labcorp
Classification: Uncertain significance. Last evaluated: 2025-09-16. Review status: criteria provided, single submitter. Criteria: Invitae Variant Classification Sherloc (09022015). Collection method: clinical testing. Allele origin: germline.
Comment: This sequence change replaces asparagine, which is neutral and polar, with serine, which is neutral and polar, at codon 210 of the TRIM28 protein (p.Asn210Ser). This variant is present in population databases (rs376588378, gnomAD 0.002%). This variant has not been reported in the literature in individuals affected with TRIM28-related conditions. An algorithm developed to predict the effect of missense changes on protein structure and function outputs the following: PolyPhen-2: "Not Available". The serine amino acid residue is found in multiple mammalian species, which suggests that this missense change does not adversely affect protein function. Algorithms developed to predict the effect of sequence changes on RNA splicing suggest that this variant may disrupt the consensus splice site. In summary, the available evidence is currently insufficient to determine the role of this variant in disease. Therefore, it has been classified as a Variant of Uncertain Significance.

NM_005762.3(TRIM28):c.629A>G (p.Asn210Ser)

Gene: TRIM28 (tripartite motif containing 28; plus strand). Cytogenetic location: 19q13.43.
Variant type: single nucleotide variant.
Coding change: c.629A>G on transcript NM_005762.3 (MANE Select); coding-DNA position 629, A replaced by G.
Protein change: p.Asn210Ser; replaces asparagine 210 with serine.
Molecular consequence: missense variant.
Genome position (GRCh38, 1-based): chr19:58,547,418, A>G. VCF-style: chr19-58547418-A-G. GRCh37 (hg19) VCF-style: chr19-59058785-A-G.
Other names: short protein forms N210S.
Identifiers: ClinVar variation 4695831 (VCV004695831.1).